The following is an entry in ClinVar:

ClinVar aggregate classification (germline): Uncertain significance (1 of 4 stars; one submission).

Conditions:
Duchenne muscular dystrophy (DMD). Also called: MUSCULAR DYSTROPHY, PSEUDOHYPERTROPHIC PROGRESSIVE, DUCHENNE TYPE; Duchenne Muscular Dystrophy (DMD). Identifiers: Orphanet 98896, MedGen C0013264, MONDO:0010679, OMIM 310200.

Submission:

Labcorp Genetics (formerly Invitae), Labcorp
Classification: Uncertain significance for Duchenne muscular dystrophy. Last evaluated: 2024-09-11. Review status: criteria provided, single submitter. Criteria: Invitae Variant Classification Sherloc (09022015). Collection method: clinical testing. Allele origin: germline.
Comment: This sequence change falls in intron 70 of the DMD gene. It does not directly change the encoded amino acid sequence of the DMD protein. It affects a nucleotide within the consensus splice site. This variant is not present in population databases (gnomAD no frequency). This variant has not been reported in the literature in individuals affected with DMD-related conditions. Variants that disrupt the consensus splice site are a relatively common cause of aberrant splicing (PMID: 17576681, 9536098). Algorithms developed to predict the effect of sequence changes on RNA splicing suggest that this variant may disrupt the consensus splice site. In summary, the available evidence is currently insufficient to determine the role of this variant in disease. Therefore, it has been classified as a Variant of Uncertain Significance.

Literature cited by the submitters: PubMed 17576681; PubMed 9536098.

NM_004006.3(DMD):c.10223+6T>G

Gene: DMD (dystrophin; minus strand). Cytogenetic location: Xp21.2.
Variant type: single nucleotide variant.
Coding change: c.10223+6T>G on transcript NM_004006.3 (MANE Select); 6 bases into the intron after coding-DNA position 10223, T replaced by G.
Molecular consequence: intron variant. On other transcripts: 3 prime UTR variant (1).
Genome position (GRCh38, 1-based): chrX:31,178,663, A>C on the plus strand (T>G on the coding strand, the complement: DMD is on the minus strand). VCF-style: chrX-31178663-A-C. GRCh37 (hg19) VCF-style: chrX-31196780-A-C.
Other names: c.*2T>G (NM_004019.3); c.10199+6T>G (NM_000109.4); c.6200+6T>G (NM_004011.4); c.6191+6T>G (NM_004012.4); c.2843+6T>G (NM_004023.3, NM_004020.4, NM_004022.3 and 2 more transcripts); c.2036+6T>G (NM_004014.3); c.1019+6T>G (NM_004018.3, NM_004017.3, NM_004016.3 and 1 more transcripts); c.10211+6T>G (NM_004009.3); and 1 more.
Identifiers: ClinVar variation 3706960 (VCV003706960.2).